The following is an entry in ClinVar:

ClinVar aggregate classification (germline): Pathogenic (1 of 4 stars; one submission).

Allele frequency attached by ClinVar (database versions not stated): TOPMed below 0.00001.

Submission:

Labcorp Genetics (formerly Invitae), Labcorp
Classification: Pathogenic. Last evaluated: 2022-09-07. Review status: criteria provided, single submitter. Criteria: Invitae Variant Classification Sherloc (09022015). Collection method: clinical testing. Allele origin: germline.
Comment: This variant is not present in population databases (gnomAD no frequency). For these reasons, this variant has been classified as Pathogenic. Algorithms developed to predict the effect of sequence changes on RNA splicing suggest that this variant may create or strengthen a splice site. ClinVar contains an entry for this variant (Variation ID: 1396298). This variant has not been reported in the literature in individuals affected with CLDN1-related conditions. This sequence change creates a premature translational stop signal (p.Trp18*) in the CLDN1 gene. It is expected to result in an absent or disrupted protein product. Loss-of-function variants in CLDN1 are known to be pathogenic (PMID: 15521008, 16619213).

Literature cited by the submitters: PubMed 15521008; PubMed 16619213.

NM_021101.5(CLDN1):c.53G>A (p.Trp18Ter)

Genes: CLDN1 (claudin 1; minus strand), CLDN16 (claudin 16; plus strand). Cytogenetic location: 3q28.
Variant type: single nucleotide variant.
Coding change: c.53G>A on transcript NM_021101.5 (MANE Select); coding-DNA position 53, G replaced by A.
Protein change: p.Trp18Ter; replaces tryptophan 18 with a stop codon.
Molecular consequence: nonsense. On other transcripts: intron variant (2).
Genome position (GRCh38, 1-based): chr3:190,322,154, C>T on the plus strand (G>A on the coding strand, the complement: CLDN1 is on the minus strand). VCF-style: chr3-190322154-C-T. GRCh37 (hg19) VCF-style: chr3-190039943-C-T.
Other names: c.-279+7095C>T (NM_001378492.1); c.-279+31563C>T (NM_001378493.1); short protein forms W18*.
Identifiers: ClinVar variation 1396298 (VCV001396298.7), dbSNP rs1716943798, ClinGen allele CA355758784.